The following is an entry in ClinVar:

NM_020631.6(PLEKHG5):c.1131+19G>A

Gene: PLEKHG5 (pleckstrin homology and RhoGEF domain containing G5; minus strand). Cytogenetic location: 1p36.31.
Variant type: single nucleotide variant.
Coding change: c.1131+19G>A on transcript NM_020631.6 (MANE Select); 19 bases into the intron after coding-DNA position 1131, G replaced by A.
Molecular consequence: intron variant.
Genome position (GRCh38, 1-based): chr1:6,471,739, C>T on the plus strand (G>A on the coding strand, the complement: PLEKHG5 is on the minus strand). VCF-style: chr1-6471739-C-T. GRCh37 (hg19) VCF-style: chr1-6531799-C-T.
Other names: c.1131+19G>A (NM_198681.4, NM_001265594.3, NM_001042664.2 and 1 more transcripts); c.1242+19G>A (NM_001042663.3, NM_001265592.2); c.1338+19G>A (NM_001265593.2).
Identifiers: ClinVar variation 515410 (VCV000515410.6), dbSNP rs746822140, ClinGen allele CA520765789.

ClinVar aggregate classification (germline): Conflicting classifications of pathogenicity. Review status: criteria provided, conflicting classifications (1 of 4 stars). 2 submissions from 2 submitters: Uncertain significance (1); Likely benign (1). Last evaluated 2022-03-13.

Conditions:
Neuronopathy, distal hereditary motor, autosomal recessive 4. Also called: NEUROPATHY, DISTAL HEREDITARY MOTOR, AUTOSOMAL RECESSIVE 4; Autosomal recessive lower motor neuron disease with childhood onset. Identifiers: Orphanet 206580, MedGen C1970211, MONDO:0012608, OMIM 611067.
Charcot-Marie-Tooth disease recessive intermediate C. Also called: CHARCOT-MARIE-TOOTH NEUROPATHY, RECESSIVE INTERMEDIATE C. Identifiers: Orphanet 369867, MedGen C3809309, MONDO:0014154, OMIM 615376.

gnomAD v4.1: 2 of 1,606,408 alleles (0.00012%); highest among the groups gnomAD compares: Non-Finnish European, 0.00017%; no homozygotes.

Submissions (2):

Labcorp Genetics (formerly Invitae), Labcorp
Classification: Uncertain significance for Neuronopathy, distal hereditary motor, autosomal recessive 4; Charcot-Marie-Tooth disease recessive intermediate C. Last evaluated: 2022-03-13. Review status: criteria provided, single submitter. Criteria: Invitae Variant Classification Sherloc (09022015). Collection method: clinical testing. Allele origin: germline.
Comment: In summary, the available evidence is currently insufficient to determine the role of this variant in disease. Therefore, it has been classified as a Variant of Uncertain Significance. Algorithms developed to predict the effect of sequence changes on RNA splicing suggest that this variant may create or strengthen a splice site. ClinVar contains an entry for this variant (Variation ID: 515410). This variant has not been reported in the literature in individuals affected with PLEKHG5-related conditions. This variant is not present in population databases (gnomAD no frequency). This sequence change falls in intron 11 of the PLEKHG5 gene. It does not directly change the encoded amino acid sequence of the PLEKHG5 protein.

GeneDx
Classification: Likely benign. Last evaluated: 2018-02-15. Review status: criteria provided, single submitter. Criteria: GeneDx Variant Classification (06012015). Collection method: clinical testing. Allele origin: germline. Affected: yes.
Comment: This variant is considered likely benign or benign based on one or more of the following criteria: it is a conservative change, it occurs at a poorly conserved position in the protein, it is predicted to be benign by multiple in silico algorithms, and/or has population frequency not consistent with disease.